The following is an entry in ClinVar:

ClinVar aggregate classification (germline): Uncertain significance. Review status: criteria provided, multiple submitters, no conflicts (2 of 4 stars). 2 submissions from 2 submitters: Uncertain significance (2). Last evaluated 2023-07-26.

Conditions:
Hypertrophic cardiomyopathy. Also called: HYPERTROPHIC MYOCARDIOPATHY. Identifiers: Orphanet 217569, MedGen C0007194, MeSH D002312, MONDO:0005045, HP:0001639.
Cardiovascular phenotype. Identifiers: MedGen CN230736.

Allele frequency attached by ClinVar (database versions not stated): gnomAD 0.00001; gnomAD exomes 0.00001; TOPMed 0.00001.

Submissions (2):

Labcorp Genetics (formerly Invitae), Labcorp
Classification: Uncertain significance for Hypertrophic cardiomyopathy. Last evaluated: 2023-07-26. Review status: criteria provided, single submitter. Criteria: Invitae Variant Classification Sherloc (09022015). Collection method: clinical testing. Allele origin: germline.
Comment: This sequence change replaces arginine, which is basic and polar, with tryptophan, which is neutral and slightly polar, at codon 437 of the JPH2 protein (p.Arg437Trp). This variant is not present in population databases (gnomAD no frequency). This variant has not been reported in the literature in individuals affected with JPH2-related conditions. ClinVar contains an entry for this variant (Variation ID: 2451752). An algorithm developed to predict the effect of missense changes on protein structure and function (PolyPhen-2) suggests that this variant is likely to be disruptive. In summary, the available evidence is currently insufficient to determine the role of this variant in disease. Therefore, it has been classified as a Variant of Uncertain Significance.

Ambry Genetics
Classification: Uncertain significance for Cardiovascular phenotype. Last evaluated: 2023-02-05. Review status: criteria provided, single submitter. Criteria: Ambry Variant Classification Scheme 2023. Collection method: clinical testing. Allele origin: germline.
Comment: The p.R437W variant (also known as c.1309C>T), located in coding exon 4 of the JPH2 gene, results from a C to T substitution at nucleotide position 1309. The arginine at codon 437 is replaced by tryptophan, an amino acid with dissimilar properties. This amino acid position is conserved. In addition, this alteration is predicted to be tolerated by in silico analysis. Since supporting evidence is limited at this time, the clinical significance of this alteration remains unclear.

NM_020433.5(JPH2):c.1309C>T (p.Arg437Trp)

Gene: JPH2 (junctophilin 2; minus strand). Cytogenetic location: 20q13.12.
Variant type: single nucleotide variant.
Coding change: c.1309C>T on transcript NM_020433.5 (MANE Select); coding-DNA position 1309, C replaced by T.
Protein change: p.Arg437Trp; replaces arginine 437 with tryptophan.
Molecular consequence: missense variant.
Genome position (GRCh38, 1-based): chr20:44,116,366, G>A on the plus strand (C>T on the coding strand, the complement: JPH2 is on the minus strand). VCF-style: chr20-44116366-G-A. GRCh37 (hg19) VCF-style: chr20-42745006-G-A.
Other names: short protein forms R437W.
Identifiers: ClinVar variation 2451752 (VCV002451752.5), dbSNP rs1398034376, ClinGen allele CA409100964.